The following is an entry in ClinVar:

ClinVar aggregate classification (germline): Likely benign. Review status: criteria provided, single submitter (1 of 4 stars). 2 submissions from 2 submitters: Likely benign (1). 1 of the submissions does not count toward it. Last evaluated 2022-05-15.

Conditions:
ATP8B1-related disorder. Also called: ATP8B1-related disorders; ATP8B1-related condition.

Allele frequency attached by ClinVar (database versions not stated): gnomAD 0.00001; gnomAD exomes 0.00001; TOPMed 0.00002.
gnomAD v4.1: 16 of 1,613,990 alleles (0.00099%); highest among the groups gnomAD compares: Middle Eastern, 0.049%; no homozygotes.

Submissions (2):

Labcorp Genetics (formerly Invitae), Labcorp
Classification: Likely benign. Last evaluated: 2022-05-15. Review status: criteria provided, single submitter. Criteria: Invitae Variant Classification Sherloc (09022015). Collection method: clinical testing. Allele origin: germline.

PreventionGenetics, part of Exact Sciences
Classification: Likely benign for ATP8B1-related condition. Last evaluated: 2022-12-20. Review status: no assertion criteria provided. Collection method: clinical testing. Allele origin: germline. Not counted in ClinVar's aggregate classification.
Comment: This variant is classified as likely benign based on ACMG/AMP sequence variant interpretation guidelines (Richards et al. 2015 PMID: 25741868, with internal and published modifications).

NM_001374385.1(ATP8B1):c.3132G>A (p.Ser1044=)

Genes: ATP8B1 (ATPase phospholipid transporting 8B1; minus strand), ATP8B1-AS1 (ATP8B1 antisense RNA 1; plus strand). Cytogenetic location: 18q21.31.
Variant type: single nucleotide variant.
Coding change: c.3132G>A on transcript NM_001374385.1 (MANE Select); coding-DNA position 3132, G replaced by A.
Protein change: p.Ser1044=; no amino-acid change (serine 1044 retained).
Molecular consequence: synonymous variant.
Genome position (GRCh38, 1-based): chr18:57,652,613, C>T on the plus strand (G>A on the coding strand, the complement: ATP8B1 is on the minus strand). VCF-style: chr18-57652613-C-T. GRCh37 (hg19) VCF-style: chr18-55319845-C-T.
Other names: c.2982G>A, p.Ser994= (NM_001374386.1); c.3132G>A, p.Ser1044= (NM_005603.6); c.3132G>A (NM_005603.4).
Identifiers: ClinVar variation 1981824 (VCV001981824.6), dbSNP rs1402513600, ClinGen allele CA504013771.
Genomic context (GRCh38, chr18:57,652,613, plus strand): 5'-CTCTCCATCCTGCCCTACGGTTTGCAGATAAGCTCCAAGAGGTATGAAGAAGAGGATCAT[C>T]GATGTTAGGACCCCATGCAACAAGCTTACAAAGAATCTCTTATAGTTGAATAGTAAGTCT-3'
Protein context (NP_001361314.1, residues 1034-1054): FVSLLHGVLT[Ser1044=]MILFFIPLGA